The following is an entry in ClinVar:

ClinVar aggregate classification (germline): Pathogenic (1 of 4 stars; one submission).

Submission:

Labcorp Genetics (formerly Invitae), Labcorp
Classification: Pathogenic. Last evaluated: 2022-10-24. Review status: criteria provided, single submitter. Criteria: Invitae Variant Classification Sherloc (09022015). Collection method: clinical testing. Allele origin: germline.
Comment: This sequence change creates a premature translational stop signal (p.Gln404*) in the PCLO gene. It is expected to result in an absent or disrupted protein product. Loss-of-function variants in PCLO are known to be pathogenic (PMID: 25832664, 30287594). For these reasons, this variant has been classified as Pathogenic. This variant has not been reported in the literature in individuals affected with PCLO-related conditions. This variant is not present in population databases (gnomAD no frequency).

Literature cited by the submitters: PubMed 25832664; PubMed 30287594.

NM_033026.6(PCLO):c.1210C>T (p.Gln404Ter)

Gene: PCLO (piccolo presynaptic cytomatrix protein; minus strand). Cytogenetic location: 7q21.11.
Variant type: single nucleotide variant.
Coding change: c.1210C>T on transcript NM_033026.6 (MANE Select); coding-DNA position 1210, C replaced by T.
Protein change: p.Gln404Ter; replaces glutamine 404 with a stop codon.
Molecular consequence: nonsense.
Genome position (GRCh38, 1-based): chr7:83,155,431, G>A on the plus strand (C>T on the coding strand, the complement: PCLO is on the minus strand). VCF-style: chr7-83155431-G-A. GRCh37 (hg19) VCF-style: chr7-82784747-G-A.
Other names: c.1210C>T, p.Gln404Ter (NM_014510.3); short protein forms Q404*.
Identifiers: ClinVar variation 2004972 (VCV002004972.4), dbSNP rs1319783283, ClinGen allele CA367915035.